The following is an entry in ClinVar:

ClinVar aggregate classification (germline): Uncertain significance (1 of 4 stars; one submission).

Allele frequency attached by ClinVar (database versions not stated): gnomAD exomes below 0.00001 and 0.00002; ExAC 0.00001; TOPMed 0.00004; gnomAD 0.00005; ESP Exome Variant Server 0.00008; 1000 Genomes Project 30x 0.00016; 1000 Genomes Project 0.00020.
gnomAD v4.1: 13 of 1,613,946 alleles (0.00081%); highest among the groups gnomAD compares: African/African-American, 0.015%; no homozygotes.

Submission:

Labcorp Genetics (formerly Invitae), Labcorp
Classification: Uncertain significance. Last evaluated: 2025-07-31. Review status: criteria provided, single submitter. Criteria: Invitae Variant Classification Sherloc (09022015). Collection method: clinical testing. Allele origin: germline.
Comment: This sequence change replaces serine, which is neutral and polar, with threonine, which is neutral and polar, at codon 1398 of the KIAA1549 protein (p.Ser1398Thr). This variant is present in population databases (rs368895293, gnomAD 0.03%). This variant has not been reported in the literature in individuals affected with KIAA1549-related conditions. ClinVar contains an entry for this variant (Variation ID: 968362). An algorithm developed to predict the effect of missense changes on protein structure and function (PolyPhen-2) suggests that this variant is likely to be tolerated. In summary, the available evidence is currently insufficient to determine the role of this variant in disease. Therefore, it has been classified as a Variant of Uncertain Significance.

NM_001164665.2(KIAA1549):c.4192T>A (p.Ser1398Thr)

Gene: KIAA1549 (KIAA1549; minus strand). Cytogenetic location: 7q34.
Variant type: single nucleotide variant.
Coding change: c.4192T>A on transcript NM_001164665.2 (MANE Select); coding-DNA position 4192, T replaced by A.
Protein change: p.Ser1398Thr; replaces serine 1398 with threonine.
Molecular consequence: missense variant.
Genome position (GRCh38, 1-based): chr7:138,881,425, A>T on the plus strand (T>A on the coding strand, the complement: KIAA1549 is on the minus strand). VCF-style: chr7-138881425-A-T. GRCh37 (hg19) VCF-style: chr7-138566171-A-T.
Other names: c.4192T>A, p.Ser1398Thr (NM_020910.3); short protein forms S1398T.
Identifiers: ClinVar variation 968362 (VCV000968362.6), dbSNP rs368895293, ClinGen allele CA4505982.